The following is an entry in ClinVar:

ClinVar aggregate classification (germline): Uncertain significance (1 of 4 stars; one submission).

Conditions:
Kabuki syndrome. Also called: NIIKAWA-KUROKI SYNDROME; Kabuki make-up syndrome. Identifiers: Orphanet 2322, MedGen C0796004, MONDO:0016512.

Submission:

Labcorp Genetics (formerly Invitae), Labcorp
Classification: Uncertain significance for Kabuki syndrome. Last evaluated: 2025-07-13. Review status: criteria provided, single submitter. Criteria: Invitae Variant Classification Sherloc (09022015). Collection method: clinical testing. Allele origin: germline.
Comment: This sequence change replaces serine, which is neutral and polar, with cysteine, which is neutral and slightly polar, at codon 645 of the KMT2D protein (p.Ser645Cys). This variant is not present in population databases (gnomAD no frequency). This variant has not been reported in the literature in individuals affected with KMT2D-related conditions. Invitae Evidence Modeling of protein sequence and biophysical properties (such as structural, functional, and spatial information, amino acid conservation, physicochemical variation, residue mobility, and thermodynamic stability) indicates that this missense variant is not expected to disrupt KMT2D protein function with a negative predictive value of 95%. In summary, the available evidence is currently insufficient to determine the role of this variant in disease. Therefore, it has been classified as a Variant of Uncertain Significance.

NM_003482.4(KMT2D):c.1934C>G (p.Ser645Cys)

Gene: KMT2D (lysine methyltransferase 2D; minus strand). Cytogenetic location: 12q13.12.
Variant type: single nucleotide variant.
Coding change: c.1934C>G on transcript NM_003482.4 (MANE Select); coding-DNA position 1934, C replaced by G.
Protein change: p.Ser645Cys; replaces serine 645 with cysteine.
Molecular consequence: missense variant.
Genome position (GRCh38, 1-based): chr12:49,051,749, G>C on the plus strand (C>G on the coding strand, the complement: KMT2D is on the minus strand). VCF-style: chr12-49051749-G-C. GRCh37 (hg19) VCF-style: chr12-49445532-G-C.
Other names: short protein forms S645C.
Identifiers: ClinVar variation 4801261 (VCV004801261.1).